The following is an entry in ClinVar:

NM_000062.3(SERPING1):c.550+1G>A

Gene: SERPING1 (serpin family G member 1; plus strand). Cytogenetic location: 11q12.1.
Variant type: single nucleotide variant.
Coding change: c.550+1G>A on transcript NM_000062.3 (MANE Select); the canonical splice donor site of the intron after coding-DNA position 550, G replaced by A.
Molecular consequence: splice donor variant.
Genome position (GRCh38, 1-based): chr11:57,600,378, G>A. VCF-style: chr11-57600378-G-A. GRCh37 (hg19) VCF-style: chr11-57367851-G-A.
Other names: c.550+1G>A (NM_001032295.2).
Identifiers: ClinVar variation 3248557 (VCV003248557.3), dbSNP rs2135308859.
Genomic context (GRCh38, chr11:57,600,378, plus strand): 5'-AGACCAACATGGCCTTTTCCCCATTCAGCATCGCCAGCCTCCTTACCCAGGTCCTGCTCG[G>A]TAAGACCCTGCTTGAATTCTCTCCAGGTCATTTGTTGGACACTCCCATAAGAGTCACCAA-3'

ClinVar aggregate classification (germline): Pathogenic. Review status: criteria provided, multiple submitters, no conflicts (2 of 4 stars). 2 submissions from 2 submitters: Pathogenic (2). Last evaluated 2024-07-31.

Conditions:
Hereditary angioedema type 1 (HAE1). Identifiers: Orphanet 100050, Orphanet 100051, Orphanet 91378, MedGen C2717906, MONDO:0015053, OMIM 106100.
Angioedema. Identifiers: MedGen C0002994, MeSH D000799, MONDO:0010481, HP:0100665.

Submissions (2):

3billion
Classification: Pathogenic for Hereditary angioedema type 1. Last evaluated: 2024-07-31. Review status: criteria provided, single submitter. Criteria: ACMG Guidelines, 2015. Collection method: clinical testing. Allele origin: germline. Affected: yes.
Comment: The variant is not observed in the gnomAD v4.0.0 dataset. Predicted Consequence/Location: Canonical splice site: predicted to alter splicing and result in a loss or disruption of normal protein function. Multiple pathogenic loss-of-function variants are reported downstream of the variant. In silico tools predict the variant to alter splicing and produce an abnormal transcript [SpliceAI: 0.96 (spliceogenicity >=0.2, non-spliceogenicity <0.1)]. The variant has been reported to be associated with SERPING1 related disorder (ClinVar ID: VCV003248557 /PMID: 14635117). Therefore, this variant is classified as Pathogenic according to the recommendation of ACMG/AMP guideline.

DNA-diagnostics Laboratory, Research Centre For Medical Genetics
Classification: Pathogenic for Angioedema. Last evaluated: 2024-06-29. Review status: criteria provided, single submitter. Criteria: ACMG Guidelines, 2015. Collection method: research. Allele origin: germline. Inheritance: Sporadic. Affected: yes. Observed: 1 heterozygote.
Comment: According to the published information of Kalmar, 2003, Loules et al., 2018, Ponard et all, 2020, the c.550+1G>A variant in SERPING1 meets ACMG/ClinGen SVI guidance criteria to be classified as pathogenic: PVS1, PP4_Str, PS4_Mod, PS1_Sup, PM2_Sup

Literature cited by the submitters: PubMed 14635117 (cited by 3billion and DNA-diagnostics Laboratory, Research Centre For Medical Genetics); DOI 10.1002/humu.23917 (cited by DNA-diagnostics Laboratory, Research Centre For Medical Genetics); DOI 10.1016/j.gene.2018.05.029 (cited by DNA-diagnostics Laboratory, Research Centre For Medical Genetics).